The following is an entry in ClinVar:

NM_001927.4(DES):c.369C>G (p.Ile123Met)

Gene: DES (desmin; plus strand). Cytogenetic location: 2q35.
Variant type: single nucleotide variant.
Coding change: c.369C>G on transcript NM_001927.4 (MANE Select); coding-DNA position 369, C replaced by G.
Protein change: p.Ile123Met; replaces isoleucine 123 with methionine.
Molecular consequence: missense variant.
Genome position (GRCh38, 1-based): chr2:219,418,831, C>G. VCF-style: chr2-219418831-C-G. GRCh37 (hg19) VCF-style: chr2-220283553-C-G.
Other names: c.369C>G, p.Ile123Met (NM_001382708.1, NM_001382709.1, NM_001382710.1 and 3 more transcripts); short protein forms I123M.
Identifiers: ClinVar variation 4011014 (VCV004011014.2).

ClinVar aggregate classification (germline): Uncertain significance. Review status: criteria provided, multiple submitters, no conflicts (2 of 4 stars). 2 submissions from 2 submitters: Uncertain significance (2). Last evaluated 2025-12-21.

Conditions:
Desmin-related myofibrillar myopathy (MFM1). Also called: Desminopathy; Desmin related myopathy (former name); Desmin storage myopathy (former name); MYOFIBRILLAR MYOPATHY WITH ARRHYTHMOGENIC RIGHT VENTRICULAR CARDIOMYOPATHY; DESMIN-RELATED MYOPATHY WITH ARRHYTHMOGENIC RIGHT VENTRICULAR CARDIOMYOPATHY; Myofibrillar myopathy 1. Identifiers: Orphanet 363543, Orphanet 98909, MedGen C1832370, MONDO:0011076, OMIM 601419.
Cardiovascular phenotype. Identifiers: MedGen CN230736.

gnomAD v4.1: 1 of 1,582,182 alleles (0.000063%); highest among the groups gnomAD compares: Non-Finnish European, 0.000086%; no homozygotes.

Submissions (2):

Labcorp Genetics (formerly Invitae), Labcorp
Classification: Uncertain significance for Desmin-related myofibrillar myopathy. Last evaluated: 2025-12-21. Review status: criteria provided, single submitter. Criteria: Invitae Variant Classification Sherloc (09022015). Collection method: clinical testing. Allele origin: germline.
Comment: This sequence change replaces isoleucine, which is neutral and non-polar, with methionine, which is neutral and non-polar, at codon 123 of the DES protein (p.Ile123Met). This variant is not present in population databases (gnomAD no frequency). This variant has not been reported in the literature in individuals affected with DES-related conditions. ClinVar contains an entry for this variant (Variation ID: 4011014). Invitae Evidence Modeling of protein sequence and biophysical properties (such as structural, functional, and spatial information, amino acid conservation, physicochemical variation, residue mobility, and thermodynamic stability) has been performed for this missense variant. However, the output from this modeling did not meet the statistical confidence thresholds required to predict the impact of this variant on DES protein function. This variant disrupts the p.Ile123 amino acid residue in DES. Other variant(s) that disrupt this residue have been determined to be pathogenic (internal data). This suggests that this residue is clinically significant, and that variants that disrupt this residue are likely to be disease-causing. In summary, the available evidence is currently insufficient to determine the role of this variant in disease. Therefore, it has been classified as a Variant of Uncertain Significance.

Ambry Genetics
Classification: Uncertain significance for Cardiovascular phenotype. Last evaluated: 2025-05-28. Review status: criteria provided, single submitter. Criteria: Ambry Variant Classification Scheme 2023. Collection method: clinical testing. Allele origin: germline.
Comment: The p.I123M variant (also known as c.369C>G), located in coding exon 1 of the DES gene, results from a C to G substitution at nucleotide position 369. The isoleucine at codon 123 is replaced by methionine, an amino acid with highly similar properties. This amino acid position is highly conserved in available vertebrate species. In addition, this alteration is predicted to be deleterious by in silico analysis. Based on the available evidence, the clinical significance of this variant remains unclear.